The following is an entry in ClinVar:

NM_001128148.3(TFRC):c.2122A>G (p.Thr708Ala)

Gene: TFRC (transferrin receptor; minus strand). Cytogenetic location: 3q29.
Variant type: single nucleotide variant.
Coding change: c.2122A>G on transcript NM_001128148.3 (MANE Select); coding-DNA position 2122, A replaced by G.
Protein change: p.Thr708Ala; replaces threonine 708 with alanine.
Molecular consequence: missense variant.
Genome position (GRCh38, 1-based): chr3:196,052,103, T>C on the plus strand (A>G on the coding strand, the complement: TFRC is on the minus strand). VCF-style: chr3-196052103-T-C. GRCh37 (hg19) VCF-style: chr3-195778974-T-C.
Other names: c.1879A>G, p.Thr627Ala (NM_001313965.2); c.1276A>G, p.Thr426Ala (NM_001313966.2); c.2122A>G, p.Thr708Ala (NM_003234.4); short protein forms T426A, T627A, T708A.
Identifiers: ClinVar variation 3699420 (VCV003699420.2).
Genomic context (GRCh38, chr3:196,052,103, plus strand): 5'-CATTAAAAGCACCGTTATTTTGTTTACGCAGTTTCAAGTTCTCCAGTAAAGCTGGCAGCG[T>C]GTGAGAGCCGGAGCCCCAGAAGACATGTCGGAAAGGAGACTCTTTTGGAGATACGTAGGG-3'
Protein context (NP_001121620.1, residues 698-718): RHVFWGSGSH[Thr708Ala]LPALLENLKL

ClinVar aggregate classification (germline): Uncertain significance (1 of 4 stars; one submission).

gnomAD v4.1: 4 of 1,614,094 alleles (0.00025%); highest among the groups gnomAD compares: Admixed American, 0.0067%; no homozygotes.

Submission:

Labcorp Genetics (formerly Invitae), Labcorp
Classification: Uncertain significance. Last evaluated: 2024-03-01. Review status: criteria provided, single submitter. Criteria: Invitae Variant Classification Sherloc (09022015). Collection method: clinical testing. Allele origin: germline.
Comment: This sequence change replaces threonine, which is neutral and polar, with alanine, which is neutral and non-polar, at codon 708 of the TFRC protein (p.Thr708Ala). This variant is present in population databases (rs750652038, gnomAD 0.01%). This variant has not been reported in the literature in individuals affected with TFRC-related conditions. Advanced modeling of protein sequence and biophysical properties (such as structural, functional, and spatial information, amino acid conservation, physicochemical variation, residue mobility, and thermodynamic stability) performed at Invitae indicates that this missense variant is expected to disrupt TFRC protein function with a positive predictive value of 80%. In summary, the available evidence is currently insufficient to determine the role of this variant in disease. Therefore, it has been classified as a Variant of Uncertain Significance.